The following is an entry in ClinVar:

ClinVar aggregate classification (germline): Conflicting classifications of pathogenicity. Review status: criteria provided, conflicting classifications (1 of 4 stars). 3 submissions from 3 submitters: Uncertain significance (2); Likely benign (1). Last evaluated 2025-03-08.

Conditions:
Hereditary cancer-predisposing syndrome. Also called: Neoplastic Syndromes, Hereditary; Tumor predisposition; Hereditary Cancer Syndrome; Hereditary neoplastic syndrome. Identifiers: Orphanet 140162, MedGen C0027672, MeSH D009386, MONDO:0015356.
Peutz-Jeghers syndrome (PJS). Also called: POLYPOSIS, HAMARTOMATOUS INTESTINAL; POLYPS-AND-SPOTS SYNDROME; Peutz-Jeghers polyposis; Periorificial lentiginosis syndrome. Identifiers: Orphanet 2869, MedGen C0031269, MeSH D010580, MONDO:0008280, OMIM 175200.

gnomAD v4.1: 1 of 1,611,276 alleles (0.000062%); highest among the groups gnomAD compares: African/African-American, 0.0013%; no homozygotes.

Submissions (3):

Ambry Genetics
Classification: Likely benign for Hereditary cancer-predisposing syndrome. Last evaluated: 2025-03-08. Review status: criteria provided, single submitter. Criteria: Ambry Variant Classification Scheme 2023. Collection method: clinical testing. Allele origin: germline.

Labcorp Genetics (formerly Invitae), Labcorp
Classification: Uncertain significance for Peutz-Jeghers syndrome. Last evaluated: 2024-07-31. Review status: criteria provided, single submitter. Criteria: Invitae Variant Classification Sherloc (09022015). Collection method: clinical testing. Allele origin: germline.
Comment: This sequence change replaces alanine, which is neutral and non-polar, with glycine, which is neutral and non-polar, at codon 377 of the STK11 protein (p.Ala377Gly). This variant is not present in population databases (gnomAD no frequency). This variant has not been reported in the literature in individuals affected with STK11-related conditions. ClinVar contains an entry for this variant (Variation ID: 1728176). Advanced modeling of protein sequence and biophysical properties (such as structural, functional, and spatial information, amino acid conservation, physicochemical variation, residue mobility, and thermodynamic stability) performed at Invitae indicates that this missense variant is not expected to disrupt STK11 protein function with a negative predictive value of 95%. In summary, the available evidence is currently insufficient to determine the role of this variant in disease. Therefore, it has been classified as a Variant of Uncertain Significance.

All of Us Research Program, National Institutes of Health
Classification: Uncertain significance for Peutz-Jeghers syndrome. Last evaluated: 2024-04-16. Review status: criteria provided, single submitter. Criteria: ACMG Guidelines, 2015. Collection method: clinical testing. Allele origin: germline. Inheritance: Autosomal dominant inheritance. Observed: 1 variant allele, 1 heterozygote.
Comment: This missense variant replaces alanine with glycine at codon 377 of the STK11 protein. Computational prediction suggests that this variant may not impact protein structure and function. To our knowledge, functional studies have not been reported for this variant. This variant has been reported in an individual with a personal and/or family history of colorectal cancer (PMID: 27696107). This variant has not been identified in the general population by the Genome Aggregation Database (gnomAD). The available evidence is insufficient to determine the role of this variant in disease conclusively. Therefore, this variant is classified as a Variant of Uncertain Significance.

This study involves interpretation of variants in research participants for the purpose of population health screening. Participant phenotype was not available at the time of variant classification. Additional details can be found in publication PMID: 35346344, PMCID: PMC8962531

Literature cited by the submitters: PubMed 27696107 (cited by All of Us Research Program, National Institutes of Health).

NM_000455.5(STK11):c.1130C>G (p.Ala377Gly)

Gene: STK11 (serine/threonine kinase 11; plus strand). Cytogenetic location: 19p13.3.
Variant type: single nucleotide variant.
Coding change: c.1130C>G on transcript NM_000455.5 (MANE Select); coding-DNA position 1130, C replaced by G.
Protein change: p.Ala377Gly; replaces alanine 377 with glycine.
Molecular consequence: missense variant.
Genome position (GRCh38, 1-based): chr19:1,226,475, C>G. VCF-style: chr19-1226475-C-G. GRCh37 (hg19) VCF-style: chr19-1226474-C-G.
Other names: short protein forms A377G.
Identifiers: ClinVar variation 1728176 (VCV001728176.7), dbSNP rs199973552, ClinGen allele CA402953238.